The following is an entry in ClinVar:

ClinVar aggregate classification (germline): Uncertain significance (1 of 4 stars; one submission).

Conditions:
Cardiovascular phenotype. Identifiers: MedGen CN230736.

Submission:

Ambry Genetics
Classification: Uncertain significance for Cardiovascular phenotype. Last evaluated: 2023-01-19. Review status: criteria provided, single submitter. Criteria: Ambry Variant Classification Scheme 2023. Collection method: clinical testing. Allele origin: germline.
Comment: The p.L198R variant (also known as c.593T>G), located in coding exon 5 of the LPL gene, results from a T to G substitution at nucleotide position 593. The leucine at codon 198 is replaced by arginine, an amino acid with dissimilar properties. This amino acid position is conserved. In addition, this alteration is predicted to be deleterious by in silico analysis. Since supporting evidence is limited at this time, the clinical significance of this alteration remains unclear.

NM_000237.3(LPL):c.593T>G (p.Leu198Arg)

Gene: LPL (lipoprotein lipase; plus strand). Cytogenetic location: 8p21.3.
Variant type: single nucleotide variant.
Coding change: c.593T>G on transcript NM_000237.3 (MANE Select); coding-DNA position 593, T replaced by G.
Protein change: p.Leu198Arg; replaces leucine 198 with arginine.
Molecular consequence: missense variant.
Genome position (GRCh38, 1-based): chr8:19,954,171, T>G. VCF-style: chr8-19954171-T-G. GRCh37 (hg19) VCF-style: chr8-19811682-T-G.
Other names: short protein forms L198R.
Identifiers: ClinVar variation 2389078 (VCV002389078.2), dbSNP rs968768346, ClinGen allele CA370468361.
Genomic context (GRCh38, chr8:19,954,171, plus strand): 5'-CCTTTTAAGGCCTCGATCCAGCTGGACCTAACTTTGAGTATGCAGAAGCCCCGAGTCGTC[T>G]TTCTCCTGATGATGCAGATTTTGTAGACGTCTTACACACATTCACCAGAGGGTCCCCTGG-3'
Protein context (NP_000228.1, residues 188-208): NFEYAEAPSR[Leu198Arg]SPDDADFVDV